The following is an entry in ClinVar:

NM_000057.4(BLM):c.757C>G (p.Gln253Glu)

Gene: BLM (BLM RecQ like helicase; plus strand). Cytogenetic location: 15q26.1.
Variant type: single nucleotide variant.
Coding change: c.757C>G on transcript NM_000057.4 (MANE Select); coding-DNA position 757, C replaced by G.
Protein change: p.Gln253Glu; replaces glutamine 253 with glutamic acid.
Molecular consequence: missense variant. On other transcripts: 5 prime UTR variant (1).
Genome position (GRCh38, 1-based): chr15:90,750,025, C>G. VCF-style: chr15-90750025-C-G. GRCh37 (hg19) VCF-style: chr15-91293255-C-G.
Other names: c.757C>G, p.Gln253Glu (NM_001287246.2, NM_001287247.2); c.-535C>G (NM_001287248.2); c.757C>G (NM_000057.3); short protein forms Q253E.
Identifiers: ClinVar variation 1759604 (VCV001759604.4), dbSNP rs1895638851, ClinGen allele CA393841493.

ClinVar aggregate classification (germline): Uncertain significance. Review status: criteria provided, multiple submitters, no conflicts (2 of 4 stars). 2 submissions from 2 submitters: Uncertain significance (2). Last evaluated 2024-06-20.

Conditions:
BLM-related disorder. Also called: BLM-related condition.
Hereditary cancer-predisposing syndrome. Also called: Neoplastic Syndromes, Hereditary; Tumor predisposition; Hereditary Cancer Syndrome; Hereditary neoplastic syndrome. Identifiers: Orphanet 140162, MedGen C0027672, MeSH D009386, MONDO:0015356.

Allele frequency attached by ClinVar (database versions not stated): gnomAD exomes 0.00001.
gnomAD v4.1: 10 of 1,614,138 alleles (0.00062%); highest among the groups gnomAD compares: Non-Finnish European, 0.00085%; no homozygotes.

Submissions (2):

Ambry Genetics
Classification: Uncertain significance for Hereditary cancer-predisposing syndrome. Last evaluated: 2024-06-20. Review status: criteria provided, single submitter. Criteria: Ambry Variant Classification Scheme 2023. Collection method: clinical testing. Allele origin: germline.
Comment: The p.Q253E variant (also known as c.757C>G), located in coding exon 2 of the BLM gene, results from a C to G substitution at nucleotide position 757. The glutamine at codon 253 is replaced by glutamic acid, an amino acid with highly similar properties. This amino acid position is conserved. In addition, this alteration is predicted to be tolerated by in silico analysis. Since supporting evidence is limited at this time, the clinical significance of this alteration remains unclear.

PreventionGenetics, part of Exact Sciences
Classification: Uncertain significance for BLM-related condition. Last evaluated: 2023-01-27. Review status: criteria provided, single submitter. Criteria: ACMG Guidelines, 2015. Collection method: clinical testing. Allele origin: germline.
Comment: The BLM c.757C>G variant is predicted to result in the amino acid substitution p.Gln253Glu. To our knowledge, this variant has not been reported in the literature or in a large population database, indicating this variant is rare. At this time, the clinical significance of this variant is uncertain due to the absence of conclusive functional and genetic evidence.